The following is an entry in ClinVar:

ClinVar aggregate classification (germline): Uncertain significance. Review status: criteria provided, multiple submitters, no conflicts (2 of 4 stars). 3 submissions from 3 submitters: Uncertain significance (3). Last evaluated 2024-01-19.

Conditions:
Inborn genetic diseases. Identifiers: MedGen C0950123, MeSH D030342.

Allele frequency attached by ClinVar (database versions not stated): gnomAD exomes 0.00003; ExAC 0.00006; gnomAD 0.00013 and 0.00014; 1000 Genomes Project 30x 0.00016; TOPMed 0.00017; 1000 Genomes Project 0.00020; ESP Exome Variant Server 0.00031.
gnomAD v4.1: 55 of 1,557,386 alleles (0.0035%); highest among the groups gnomAD compares: African/African-American, 0.047%; no homozygotes.

Submissions (3):

Mayo Clinic Laboratories, Mayo Clinic
Classification: Uncertain significance. Last evaluated: 2024-01-19. Review status: criteria provided, single submitter. Criteria: ACMG Guidelines, 2015. Collection method: clinical testing. Allele origin: germline. Observed: 1 variant allele.

Ambry Genetics
Classification: Uncertain significance for Inborn genetic diseases. Last evaluated: 2023-12-08. Review status: criteria provided, single submitter. Criteria: Ambry Variant Classification Scheme 2023. Collection method: clinical testing. Allele origin: germline.

Labcorp Genetics (formerly Invitae), Labcorp
Classification: Uncertain significance. Last evaluated: 2021-09-06. Review status: criteria provided, single submitter. Criteria: Invitae Variant Classification Sherloc (09022015). Collection method: clinical testing. Allele origin: germline.
Comment: In summary, the available evidence is currently insufficient to determine the role of this variant in disease. Therefore, it has been classified as a Variant of Uncertain Significance. Algorithms developed to predict the effect of missense changes on protein structure and function output the following: SIFT: "Deleterious"; PolyPhen-2: "Benign"; Align-GVGD: "Class C0". The methionine amino acid residue is found in multiple mammalian species, which suggests that this missense change does not adversely affect protein function. This variant has not been reported in the literature in individuals affected with SLC25A26-related conditions. This variant is present in population databases (rs146026411, ExAC 0.04%). This sequence change replaces valine with methionine at codon 12 of the SLC25A26 protein (p.Val12Met). The valine residue is moderately conserved and there is a small physicochemical difference between valine and methionine.

NM_001379210.1(SLC25A26):c.298G>A (p.Val100Met)

Gene: SLC25A26 (solute carrier family 25 member 26; plus strand). Cytogenetic location: 3p14.1.
Variant type: single nucleotide variant.
Coding change: c.298G>A on transcript NM_001379210.1 (MANE Select); coding-DNA position 298, G replaced by A.
Protein change: p.Val100Met; replaces valine 100 with methionine.
Molecular consequence: missense variant. On other transcripts: non-coding transcript variant (1).
Genome position (GRCh38, 1-based): chr3:66,243,310, G>A. VCF-style: chr3-66243310-G-A. GRCh37 (hg19) VCF-style: chr3-66293734-G-A.
Other names: p.Val100Met; c.34G>A, p.Val12Met (NM_001164796.1, NM_001350993.1); c.298G>A, p.Val100Met (NM_173471.4); c.298G>A (NM_173471.3); short protein forms V100M, V12M.
Identifiers: ClinVar variation 1430019 (VCV001430019.8), dbSNP rs146026411, ClinGen allele CA2483652.